The following is an entry in ClinVar:

NM_001165963.4(SCN1A):c.5121T>C (p.Phe1707=)

Genes: SCN1A (sodium voltage-gated channel alpha subunit 1; minus strand), LOC102724058 (uncharacterized LOC102724058; plus strand). Cytogenetic location: 2q24.3.
Variant type: single nucleotide variant.
Coding change: c.5121T>C on transcript NM_001165963.4 (MANE Select); coding-DNA position 5121, T replaced by C.
Protein change: p.Phe1707=; no amino-acid change (phenylalanine 1707 retained).
Molecular consequence: synonymous variant. On other transcripts: non-coding transcript variant (1).
Genome position (GRCh38, 1-based): chr2:165,992,154, A>G on the plus strand (T>C on the coding strand, the complement: SCN1A is on the minus strand). VCF-style: chr2-165992154-A-G. GRCh37 (hg19) VCF-style: chr2-166848664-A-G.
Other names: c.5037T>C, p.Phe1679= (NM_001165964.3, NM_001353957.2, NM_001353958.2); c.5121T>C, p.Phe1707= (NM_001202435.3, NM_001353948.2); c.5088T>C, p.Phe1696= (NM_001353949.2, NM_001353950.2, NM_001353951.2 and 2 more transcripts); c.5085T>C, p.Phe1695= (NM_001353954.2, NM_001353955.2); c.5034T>C, p.Phe1678= (NM_001353960.2); c.2679T>C, p.Phe893= (NM_001353961.2).
Identifiers: ClinVar variation 4534805 (VCV004534805.6).
Genomic context (GRCh38, chr2:165,992,154, plus strand): 5'-ATCCCAGCCAGCAGAGGTTGTAATTTGGAATAGGCAGATCATGCTGTTGCCAAAGGTCTC[A>G]AAGTTGAACATGTCATCGATCCCAACTTCCCTCTTAACATAGGCAAAGTTGGACATCCCA-3'
Protein context (NP_001159435.1, residues 1697-1717): REVGIDDMFN[Phe1707=]ETFGNSMICL

ClinVar aggregate classification (germline): Likely benign (1 of 4 stars; one submission).

Submission:

CeGaT Center for Human Genetics Tuebingen
Classification: Likely benign. Last evaluated: 2025-10-01. Review status: criteria provided, single submitter. Criteria: CeGaT Center For Human Genetics Tuebingen Variant Classification Criteria Version 2. Collection method: clinical testing. Allele origin: germline. Affected: yes. Observed: 1 variant allele.
Comment: SCN1A: PM2:Supporting, BP4, BP7